The following is an entry in ClinVar:

ClinVar aggregate classification (germline): Uncertain significance (1 of 4 stars; one submission).

Conditions:
Spastic paraplegia. Identifiers: MedGen C0037772, HP:0001258.

Allele frequency attached by ClinVar (database versions not stated): TOPMed below 0.00001; gnomAD exomes 0.00001 and below 0.00001.
gnomAD v4.1: 8 of 1,614,202 alleles (0.0005%); highest among the groups gnomAD compares: Non-Finnish European, 0.00034%; no homozygotes.

Submission:

Labcorp Genetics (formerly Invitae), Labcorp
Classification: Uncertain significance for Spastic paraplegia. Last evaluated: 2022-07-25. Review status: criteria provided, single submitter. Criteria: Invitae Variant Classification Sherloc (09022015). Collection method: clinical testing. Allele origin: germline.
Comment: This sequence change replaces serine, which is neutral and polar, with cysteine, which is neutral and slightly polar, at codon 980 of the ZFYVE26 protein (p.Ser980Cys). This variant is present in population databases (no rsID available, gnomAD 0.004%). This variant has not been reported in the literature in individuals affected with ZFYVE26-related conditions. ClinVar contains an entry for this variant (Variation ID: 1400590). Algorithms developed to predict the effect of missense changes on protein structure and function output the following: SIFT: "Tolerated"; PolyPhen-2: "Benign"; Align-GVGD: "Class C0". The cysteine amino acid residue is found in multiple mammalian species, which suggests that this missense change does not adversely affect protein function. In summary, the available evidence is currently insufficient to determine the role of this variant in disease. Therefore, it has been classified as a Variant of Uncertain Significance.

NM_015346.4(ZFYVE26):c.2939C>G (p.Ser980Cys)

Gene: ZFYVE26 (zinc finger FYVE-type containing 26; minus strand). Cytogenetic location: 14q24.1.
Variant type: single nucleotide variant.
Coding change: c.2939C>G on transcript NM_015346.4 (MANE Select); coding-DNA position 2939, C replaced by G.
Protein change: p.Ser980Cys; replaces serine 980 with cysteine.
Molecular consequence: missense variant.
Genome position (GRCh38, 1-based): chr14:67,789,415, G>C on the plus strand (C>G on the coding strand, the complement: ZFYVE26 is on the minus strand). VCF-style: chr14-67789415-G-C. GRCh37 (hg19) VCF-style: chr14-68256132-G-C.
Other names: short protein forms S980C.
Identifiers: ClinVar variation 1400590 (VCV001400590.3), dbSNP rs1194352785, ClinGen allele CA390173344.
Genomic context (GRCh38, chr14:67,789,415, plus strand): 5'-TTCAAACGCCGTTCGGCTGTCTCCAAAAGCTGCTTGCAGGTTTTCCAGAGCTGGCACTGA[G>C]AGCAAGCTAGGTCAAATGCAGCCATGGCAGGGGGACTGAGGTCTTCCAGAACCTCTCTCA-3'
Protein context (NP_056161.2, residues 970-990): PAMAAFDLAC[Ser980Cys]QCQLWKTCKQ